The following is an entry in ClinVar:

NM_000229.2(LCAT):c.1054G>A (p.Asp352Asn)

Gene: LCAT (lecithin-cholesterol acyltransferase; minus strand). Cytogenetic location: 16q22.1.
Variant type: single nucleotide variant.
Coding change: c.1054G>A on transcript NM_000229.2 (MANE Select); coding-DNA position 1054, G replaced by A.
Protein change: p.Asp352Asn; replaces aspartic acid 352 with asparagine.
Molecular consequence: missense variant.
Genome position (GRCh38, 1-based): chr16:67,940,173, C>T on the plus strand (G>A on the coding strand, the complement: LCAT is on the minus strand). VCF-style: chr16-67940173-C-T. GRCh37 (hg19) VCF-style: chr16-67974076-C-T.
Other names: short protein forms D352N.
Identifiers: ClinVar variation 1778177 (VCV001778177.6), dbSNP rs57506973, ClinGen allele CA8120903.

ClinVar aggregate classification (germline): Uncertain significance. Review status: criteria provided, multiple submitters, no conflicts (2 of 4 stars). 3 submissions from 3 submitters: Uncertain significance (3). Last evaluated 2024-09-05.

Conditions:
Cardiovascular phenotype. Identifiers: MedGen CN230736.

Allele frequency attached by ClinVar (database versions not stated): ExAC 0.00001; 1000 Genomes Project 30x 0.00016; 1000 Genomes Project 0.00020.
gnomAD v4.1: 24 of 1,613,220 alleles (0.0015%); highest among the groups gnomAD compares: African/African-American, 0.0067%; no homozygotes.

Submissions (3):

Ambry Genetics
Classification: Uncertain significance for Cardiovascular phenotype. Last evaluated: 2024-09-05. Review status: criteria provided, single submitter. Criteria: Ambry Variant Classification Scheme 2023. Collection method: clinical testing. Allele origin: germline.
Comment: The p.D352N variant (also known as c.1054G>A), located in coding exon 6 of the LCAT gene, results from a G to A substitution at nucleotide position 1054. The aspartic acid at codon 352 is replaced by asparagine, an amino acid with highly similar properties. This amino acid position is conserved. In addition, the in silico prediction for this alteration is inconclusive. Since supporting evidence is limited at this time, the clinical significance of this alteration remains unclear.

GeneDx
Classification: Uncertain significance. Last evaluated: 2024-07-29. Review status: criteria provided, single submitter. Criteria: GeneDx Variant Classification Process June 2021. Collection method: clinical testing. Allele origin: germline. Affected: yes.
Comment: Not observed at significant frequency in large population cohorts (gnomAD); In silico analysis indicates that this missense variant does not alter protein structure/function; Has not been previously published as pathogenic or benign to our knowledge

Labcorp Genetics (formerly Invitae), Labcorp
Classification: Uncertain significance. Last evaluated: 2022-01-18. Review status: criteria provided, single submitter. Criteria: Invitae Variant Classification Sherloc (09022015). Collection method: clinical testing. Allele origin: germline.
Comment: This sequence change replaces aspartic acid, which is acidic and polar, with asparagine, which is neutral and polar, at codon 352 of the LCAT protein (p.Asp352Asn). This variant is present in population databases (rs57506973, gnomAD 0.006%). This variant has not been reported in the literature in individuals affected with LCAT-related conditions. Algorithms developed to predict the effect of missense changes on protein structure and function (SIFT, PolyPhen-2, Align-GVGD) all suggest that this variant is likely to be tolerated. In summary, the available evidence is currently insufficient to determine the role of this variant in disease. Therefore, it has been classified as a Variant of Uncertain Significance.